The following is an entry in ClinVar:

NM_004006.3(DMD):c.6075dup (p.Lys2026Ter)

Gene: DMD (dystrophin; minus strand). Cytogenetic location: Xp21.1.
Variant type: Duplication.
Coding change: c.6075dup on transcript NM_004006.3 (MANE Select); coding-DNA position 6075, one base duplicated (T; older notation c.6075dupT).
Protein change: p.Lys2026Ter; replaces lysine 2026 with a stop codon.
Molecular consequence: nonsense.
Genome position (GRCh38, 1-based): chrX:32,310,124, A duplicated on the plus strand (T on the coding strand, the reverse complement: DMD is on the minus strand). VCF-style (leftmost placement, unchanged base first): chrX-32310123-T-TA. GRCh37 (hg19) VCF-style: chrX-32328240-T-TA.
Other names: c.6051dup, p.Lys2018Ter (NM_000109.4); c.6063dup, p.Lys2022Ter (NM_004009.3); c.5706dup, p.Lys1903Ter (NM_004010.3); c.2052dup, p.Lys685Ter (NM_004011.4); c.2043dup, p.Lys682Ter (NM_004012.4); short protein forms K2018*, K1903*, K685*, K2022*, K2026*, K682*.
Identifiers: ClinVar variation 2023653 (VCV002023653.4), dbSNP rs2520267118, ClinGen allele CA2580100622.

ClinVar aggregate classification (germline): Pathogenic (1 of 4 stars; one submission).

Conditions:
Duchenne muscular dystrophy (DMD). Also called: MUSCULAR DYSTROPHY, PSEUDOHYPERTROPHIC PROGRESSIVE, DUCHENNE TYPE; Duchenne Muscular Dystrophy (DMD). Identifiers: Orphanet 98896, MedGen C0013264, MONDO:0010679, OMIM 310200.

Submission:

Labcorp Genetics (formerly Invitae), Labcorp
Classification: Pathogenic for Duchenne muscular dystrophy. Last evaluated: 2022-08-12. Review status: criteria provided, single submitter. Criteria: Invitae Variant Classification Sherloc (09022015). Collection method: clinical testing. Allele origin: germline.
Comment: This premature translational stop signal has been observed in individual(s) with Duchenne muscular dystrophy (PMID: 33420945). This variant is not present in population databases (gnomAD no frequency). This sequence change creates a premature translational stop signal (p.Lys2026*) in the DMD gene. It is expected to result in an absent or disrupted protein product. Loss-of-function variants in DMD are known to be pathogenic (PMID: 16770791, 25007885). For these reasons, this variant has been classified as Pathogenic.

Literature cited by the submitters: PubMed 33420945; PubMed 16770791; PubMed 25007885.